The following is an entry in ClinVar:

NM_020975.6(RET):c.2569C>G (p.Gln857Glu)

Gene: RET (ret proto-oncogene; plus strand). Cytogenetic location: 10q11.21.
Variant type: single nucleotide variant.
Coding change: c.2569C>G on transcript NM_020975.6 (MANE Select); coding-DNA position 2569, C replaced by G.
Protein change: p.Gln857Glu; replaces glutamine 857 with glutamic acid.
Molecular consequence: missense variant.
Genome position (GRCh38, 1-based): chr10:43,119,707, C>G. VCF-style: chr10-43119707-C-G. GRCh37 (hg19) VCF-style: chr10-43615155-C-G.
Other names: c.1672C>G, p.Gln558Glu (NM_001406779.1, NM_001406780.1, NM_001406781.1 and 1 more transcripts); c.1543C>G, p.Gln515Glu (NM_001406783.1, NM_001406786.1); c.1579C>G, p.Gln527Glu (NM_001406784.1); c.2569C>G, p.Gln857Glu (NM_000323.2, NM_001406743.1, NM_001406744.1 and 4 more transcripts); c.1807C>G, p.Gln603Glu (NM_001355216.2); c.2440C>G, p.Gln814Glu (NM_001406761.1, NM_001406762.1, NM_001406764.1); c.2434C>G, p.Gln812Glu (NM_001406763.1, NM_001406765.1); c.2281C>G, p.Gln761Glu (NM_001406766.1, NM_001406767.1, NM_001406770.1); and 10 more; short protein forms Q374E, Q422E, Q513E, Q558E, Q615E, Q682E, Q711E, Q769E.
Identifiers: ClinVar variation 1793193 (VCV001793193.3), dbSNP rs2132950134, ClinGen allele CA376556646.

ClinVar aggregate classification (germline): Uncertain significance. Review status: criteria provided, multiple submitters, no conflicts (2 of 4 stars). 2 submissions from 2 submitters: Uncertain significance (2). Last evaluated 2025-06-27.

Conditions:
Hereditary cancer-predisposing syndrome. Also called: Tumor predisposition; Hereditary Cancer Syndrome; Neoplastic Syndromes, Hereditary; Hereditary neoplastic syndrome. Identifiers: Orphanet 140162, MedGen C0027672, MeSH D009386, MONDO:0015356.
Multiple endocrine neoplasia, type 2 (MEN2). Identifiers: Orphanet 653, MedGen C4048306, MONDO:0019003. Disease mechanism: gain of function.

Allele frequency attached by ClinVar (database versions not stated): gnomAD exomes below 0.00001.
gnomAD v4.1: 2 of 1,613,508 alleles (0.00012%); highest among the groups gnomAD compares: Non-Finnish European, 0.00017%; no homozygotes.

Submissions (2):

Labcorp Genetics (formerly Invitae), Labcorp
Classification: Uncertain significance for Multiple endocrine neoplasia, type 2. Last evaluated: 2025-06-27. Review status: criteria provided, single submitter. Criteria: Invitae Variant Classification Sherloc (09022015). Collection method: clinical testing. Allele origin: germline.
Comment: This sequence change replaces glutamine, which is neutral and polar, with glutamic acid, which is acidic and polar, at codon 857 of the RET protein (p.Gln857Glu). This variant is not present in population databases (gnomAD no frequency). This variant has not been reported in the literature in individuals affected with RET-related conditions. ClinVar contains an entry for this variant (Variation ID: 1793193). An algorithm developed to predict the effect of missense changes on protein structure and function (PolyPhen-2) suggests that this variant is likely to be disruptive. In summary, the available evidence is currently insufficient to determine the role of this variant in disease. Therefore, it has been classified as a Variant of Uncertain Significance.

Ambry Genetics
Classification: Uncertain significance for Hereditary cancer-predisposing syndrome. Last evaluated: 2022-02-26. Review status: criteria provided, single submitter. Criteria: Ambry Variant Classification Scheme 2023. Collection method: clinical testing. Allele origin: germline.
Comment: The p.Q857E variant (also known as c.2569C>G), located in coding exon 14 of the RET gene, results from a C to G substitution at nucleotide position 2569. The glutamine at codon 857 is replaced by glutamic acid, an amino acid with highly similar properties. This amino acid position is conserved. In addition, this alteration is predicted to be deleterious by in silico analysis. Since supporting evidence is limited at this time, the clinical significance of this alteration remains unclear.